The following is an entry in ClinVar:

NM_002471.4(MYH6):c.4750G>A (p.Glu1584Lys)

Genes: MYH6 (myosin heavy chain 6; minus strand), LOC126861896 (BRD4-independent group 4 enhancer GRCh37_chr14:23854904-23856103; plus strand). Cytogenetic location: 14q11.2.
Variant type: single nucleotide variant.
Coding change: c.4750G>A on transcript NM_002471.4 (MANE Select); coding-DNA position 4750, G replaced by A.
Protein change: p.Glu1584Lys; replaces glutamic acid 1584 with lysine.
Molecular consequence: missense variant.
Genome position (GRCh38, 1-based): chr14:23,386,524, C>T on the plus strand (G>A on the coding strand, the complement: MYH6 is on the minus strand). VCF-style: chr14-23386524-C-T. GRCh37 (hg19) VCF-style: chr14-23855733-C-T.
Other names: short protein forms E1584K.
Identifiers: ClinVar variation 941989 (VCV000941989.15), dbSNP rs1280321639, ClinGen allele CA388992448.

ClinVar aggregate classification (germline): Uncertain significance. Review status: criteria provided, multiple submitters, no conflicts (2 of 4 stars). 5 submissions from 5 submitters: Uncertain significance (4). 1 of the submissions does not count toward it. Last evaluated 2023-05-23.

Conditions:
Cardiovascular phenotype. Identifiers: MedGen CN230736.
Atrial septal defect 3 (ASD3). Identifiers: Orphanet 1478, MedGen C3279790, MONDO:0013567, OMIM 614089.
Hypertrophic cardiomyopathy 14. Identifiers: MedGen C2750467, MONDO:0013197, OMIM 613251.

Allele frequency attached by ClinVar (database versions not stated): TOPMed 0.00002; gnomAD 0.00003.
gnomAD v4.1: 4 of 1,614,006 alleles (0.00025%); highest among the groups gnomAD compares: Non-Finnish European, 0.00034%; no homozygotes.

Submissions (5):

Labcorp Genetics (formerly Invitae), Labcorp
Classification: Uncertain significance for Hypertrophic cardiomyopathy 14. Last evaluated: 2023-05-23. Review status: criteria provided, single submitter. Criteria: Invitae Variant Classification Sherloc (09022015). Collection method: clinical testing. Allele origin: germline.
Comment: This missense change has been observed in individual(s) with hypoplastic left heart syndrome (PMID: 27789736). This sequence change replaces glutamic acid, which is acidic and polar, with lysine, which is basic and polar, at codon 1584 of the MYH6 protein (p.Glu1584Lys). This variant is not present in population databases (gnomAD no frequency). ClinVar contains an entry for this variant (Variation ID: 941989). Advanced modeling of protein sequence and biophysical properties (such as structural, functional, and spatial information, amino acid conservation, physicochemical variation, residue mobility, and thermodynamic stability) performed at Invitae indicates that this missense variant is expected to disrupt MYH6 protein function. In summary, the available evidence is currently insufficient to determine the role of this variant in disease. Therefore, it has been classified as a Variant of Uncertain Significance.

Ambry Genetics
Classification: Uncertain significance for Cardiovascular phenotype. Last evaluated: 2023-04-27. Review status: criteria provided, single submitter. Criteria: Ambry Variant Classification Scheme 2023. Collection method: clinical testing. Allele origin: germline.
Comment: The p.E1584K variant (also known as c.4750G>A), located in coding exon 31 of the MYH6 gene, results from a G to A substitution at nucleotide position 4750. The glutamic acid at codon 1584 is replaced by lysine, an amino acid with similar properties. This alteration has been reported in a hypoplastic left heart syndrome cohort; however, clinical details were limited (Tomita-Mitchell A et al. Physiol Genomics, 2016 Dec;48:912-921). This amino acid position is highly conserved in available vertebrate species. In addition, this alteration is predicted to be deleterious by in silico analysis. Since supporting evidence is limited at this time, the clinical significance of this alteration remains unclear.

GeneDx
Classification: Uncertain significance. Last evaluated: 2022-08-08. Review status: criteria provided, single submitter. Criteria: GeneDx Variant Classification Process June 2021. Collection method: clinical testing. Allele origin: germline. Affected: yes.
Comment: Identified in a patient with hypoplastic left heart syndrome (HLHS) in published literature (Tomita-Mitchell et al., 2016); Not observed at significant frequency in large population cohorts (gnomAD); In silico analysis supports that this missense variant has a deleterious effect on protein structure/function; This variant is associated with the following publications: (PMID: 27789736, 35621855)

Baylor Genetics
Classification: Uncertain significance for Atrial septal defect 3. Last evaluated: 2018-02-06. Review status: criteria provided, single submitter. Criteria: ACMG Guidelines, 2015. Collection method: clinical testing. Allele origin: maternal. Affected: yes.
Comment: This variant was determined to be of uncertain significance according to ACMG Guidelines, 2015 [PMID:25741868].

Clinical Genetics Laboratory, University Hospital Schleswig-Holstein
Classification: Uncertain significance for Atrial septal defect 3. Last evaluated: 2021-08-06. Review status: no assertion criteria provided. Collection method: clinical testing. Allele origin: germline. Affected: yes. Not counted in ClinVar's aggregate classification.

Literature cited by the submitters: PubMed 27789736 (cited by Labcorp Genetics (formerly Invitae), Labcorp and Ambry Genetics).